The following is an entry in ClinVar:

NM_001377.3(DYNC2H1):c.6089C>T (p.Ser2030Phe)

Gene: DYNC2H1 (dynein cytoplasmic 2 heavy chain 1; plus strand). Cytogenetic location: 11q22.3.
Variant type: single nucleotide variant.
Coding change: c.6089C>T on transcript NM_001377.3 (MANE Select); coding-DNA position 6089, C replaced by T.
Protein change: p.Ser2030Phe; replaces serine 2030 with phenylalanine.
Molecular consequence: missense variant.
Genome position (GRCh38, 1-based): chr11:103,177,770, C>T. VCF-style: chr11-103177770-C-T. GRCh37 (hg19) VCF-style: chr11-103048499-C-T.
Other names: c.6089C>T, p.Ser2030Phe (NM_001080463.2); short protein forms S2030F.
Identifiers: ClinVar variation 4822030 (VCV004822030.4).

ClinVar aggregate classification (germline): Uncertain significance (1 of 4 stars; one submission).

gnomAD v4.1: 5 of 1,612,988 alleles (0.00031%); highest among the groups gnomAD compares: Middle Eastern, 0.066%; 1 homozygote.

Submission:

CeGaT Center for Human Genetics Tuebingen
Classification: Uncertain significance. Last evaluated: 2026-02-01. Review status: criteria provided, single submitter. Criteria: CeGaT Center For Human Genetics Tuebingen Variant Classification Criteria Version 2. Collection method: clinical testing. Allele origin: germline. Affected: yes. Observed: 1 variant allele.
Comment: DYNC2H1: PM2